The following is an entry in ClinVar:

NM_001084.5(PLOD3):c.1501-10C>T

Gene: PLOD3 (procollagen-lysine,2-oxoglutarate 5-dioxygenase 3; minus strand). Cytogenetic location: 7q22.1.
Variant type: single nucleotide variant.
Coding change: c.1501-10C>T on transcript NM_001084.5 (MANE Select); 10 bases into the intron before coding-DNA position 1501, C replaced by T.
Molecular consequence: intron variant.
Genome position (GRCh38, 1-based): chr7:101,210,454, G>A on the plus strand (C>T on the coding strand, the complement: PLOD3 is on the minus strand). VCF-style: chr7-101210454-G-A. GRCh37 (hg19) VCF-style: chr7-100853735-G-A.
Other names: c.1501-10C>T (NM_001084.4).
Identifiers: ClinVar variation 1535399 (VCV001535399.10), dbSNP rs369607373, ClinGen allele CA4407642.

ClinVar aggregate classification (germline): Likely benign. Review status: criteria provided, single submitter (1 of 4 stars). 2 submissions from 2 submitters: Likely benign (1). 1 of the submissions does not count toward it. Last evaluated 2025-10-21.

Conditions:
PLOD3-related disorder. Also called: PLOD3-related condition.

Allele frequency attached by ClinVar (database versions not stated): TOPMed 0.00006; ExAC 0.00008; gnomAD 0.00008 and 0.00009; ESP Exome Variant Server 0.00023.

Submissions (2):

Labcorp Genetics (formerly Invitae), Labcorp
Classification: Likely benign. Last evaluated: 2025-10-21. Review status: criteria provided, single submitter. Criteria: Invitae Variant Classification Sherloc (09022015). Collection method: clinical testing. Allele origin: germline.

PreventionGenetics, part of Exact Sciences
Classification: Likely benign for PLOD3-related condition. Last evaluated: 2019-10-28. Review status: no assertion criteria provided. Collection method: clinical testing. Allele origin: germline. Not counted in ClinVar's aggregate classification.
Comment: This variant is classified as likely benign based on ACMG/AMP sequence variant interpretation guidelines (Richards et al. 2015 PMID: 25741868, with internal and published modifications).